The following is an entry in ClinVar:

NM_001384.5(DPH2):c.552A>G (p.Gln184=)

Genes: DPH2 (diphthamide biosynthesis 2; plus strand), LOC126805726 (CDK7 strongly-dependent group 2 enhancer GRCh37_chr1:44437355-44438554; plus strand). Cytogenetic location: 1p34.1.
Variant type: single nucleotide variant.
Coding change: c.552A>G on transcript NM_001384.5 (MANE Select); coding-DNA position 552, A replaced by G.
Protein change: p.Gln184=; no amino-acid change (glutamine 184 retained).
Molecular consequence: synonymous variant. On other transcripts: 5 prime UTR variant (2), intron variant (2).
Genome position (GRCh38, 1-based): chr1:43,971,454, A>G. VCF-style: chr1-43971454-A-G. GRCh37 (hg19) VCF-style: chr1-44437126-A-G.
Other names: c.324A>G, p.Gln108= (NM_001319165.2, NM_001319168.2); c.-28A>G (NM_001319167.2, NM_001319170.2); c.147A>G, p.Gln49= (NM_001319169.2); c.108A>G, p.Gln36= (NM_001319171.2); c.485-206A>G (NM_001319166.2); c.484+265A>G (NM_001039589.2).
Identifiers: ClinVar variation 4084453 (VCV004084453.8).

ClinVar aggregate classification (germline): Likely benign (1 of 4 stars; one submission).

Submission:

CeGaT Center for Human Genetics Tuebingen
Classification: Likely benign. Last evaluated: 2026-01-01. Review status: criteria provided, single submitter. Criteria: CeGaT Center For Human Genetics Tuebingen Variant Classification Criteria Version 2. Collection method: clinical testing. Allele origin: germline. Affected: yes. Observed: 2 variant alleles.
Comment: DPH2: BP4, BP7